The following is an entry in ClinVar:

NM_001003694.2(BRPF1):c.1977G>T (p.Leu659=)

Gene: BRPF1 (bromodomain and PHD finger containing 1; plus strand). Cytogenetic location: 3p25.3.
Variant type: single nucleotide variant.
Coding change: c.1977G>T on transcript NM_001003694.2 (MANE Select); coding-DNA position 1977, G replaced by T.
Protein change: p.Leu659=; no amino-acid change (leucine 659 retained).
Molecular consequence: synonymous variant. On other transcripts: non-coding transcript variant (1).
Genome position (GRCh38, 1-based): chr3:9,742,147, G>T. VCF-style: chr3-9742147-G-T. GRCh37 (hg19) VCF-style: chr3-9783831-G-T.
Other names: c.1977G>T, p.Leu659= (NM_001319049.2, NM_001319050.2, NM_001410704.1 and 1 more transcripts).
Identifiers: ClinVar variation 2653489 (VCV002653489.24), dbSNP rs766222212, ClinGen allele CA2241985.

ClinVar aggregate classification (germline): Likely benign (1 of 4 stars; one submission).

Allele frequency attached by ClinVar (database versions not stated): gnomAD 0.00001; ExAC 0.00005.
gnomAD v4.1: 32 of 1,614,088 alleles (0.002%); highest among the groups gnomAD compares: South Asian, 0.033%; no homozygotes.

Submission:

CeGaT Center for Human Genetics Tuebingen
Classification: Likely benign. Last evaluated: 2022-06-01. Review status: criteria provided, single submitter. Criteria: CeGaT Center For Human Genetics Tuebingen Variant Classification Criteria Version 2. Collection method: clinical testing. Allele origin: germline. Affected: yes. Observed: 1 variant allele.
Comment: BRPF1: BP4, BS2